The following is an entry in ClinVar:

ClinVar aggregate classification (germline): Benign/Likely benign. Review status: criteria provided, multiple submitters, no conflicts (2 of 4 stars). 4 submissions from 4 submitters: Benign (3); Likely benign (1). Last evaluated 2026-01-27.

Conditions:
Myopathy, proximal, and ophthalmoplegia (CMYO6). Also called: INCLUSION BODY MYOPATHY 3, AUTOSOMAL DOMINANT; CONGENITAL MYOPATHY 6 WITH OPHTHALMOPLEGIA; MYOPATHY WITH CONGENITAL JOINT CONTRACTURES, OPHTHALMOPLEGIA, AND RIMMED VACUOLES. Identifiers: Orphanet 363677, Orphanet 79091, MedGen C1854106, MONDO:0011577, OMIM 605637.

Allele frequency attached by ClinVar (database versions not stated): gnomAD exomes 0.00111 and 0.00314; ExAC 0.00411; gnomAD 0.01190 and 0.01300; 1000 Genomes Project 0.01258; 1000 Genomes Project 30x 0.01265; TOPMed 0.01314; ESP Exome Variant Server 0.01584.
gnomAD v4.1: 3,498 of 1,613,816 alleles (0.22%); highest among the groups gnomAD compares: African/African-American, 4.2%; 69 homozygotes.

Submissions (4):

Labcorp Genetics (formerly Invitae), Labcorp
Classification: Benign for Myopathy, proximal, and ophthalmoplegia. Last evaluated: 2026-01-27. Review status: criteria provided, single submitter. Criteria: Invitae Variant Classification Sherloc (09022015). Collection method: clinical testing. Allele origin: germline.

GeneDx
Classification: Likely benign. Last evaluated: 2020-12-14. Review status: criteria provided, single submitter. Criteria: GeneDx Variant Classification Process June 2021. Collection method: clinical testing. Allele origin: germline. Affected: yes.

Mayo Clinic Laboratories, Mayo Clinic
Classification: Benign. Last evaluated: 2019-02-28. Review status: criteria provided, single submitter. Criteria: ACMG Guidelines, 2015. Collection method: clinical testing. Allele origin: germline. Observed: 9 variant alleles.

Illumina Laboratory Services, Illumina
Classification: Benign for Myopathy, proximal, and ophthalmoplegia. Last evaluated: 2018-01-13. Review status: criteria provided, single submitter. Criteria: ICSL Variant Classification Criteria 13 December 2019. Collection method: clinical testing. Allele origin: germline.
Comment: This variant was observed in the ICSL laboratory as part of a predisposition screen in an ostensibly healthy population. It had not been previously curated by ICSL or reported in the Human Gene Mutation Database (HGMD: prior to June 1st, 2018), and was therefore a candidate for classification through an automated scoring system. Utilizing variant allele frequency, disease prevalence and penetrance estimates, and inheritance mode, an automated score was calculated to assess if this variant is too frequent to cause the disease. Based on the score and internal cut-off values, a variant classified as benign is not then subjected to further curation. The score for this variant resulted in a classification of benign for this disease.

NM_017534.6(MYH2):c.5674-10T>C

Genes: MYHAS (myosin heavy chain gene cluster antisense RNA; plus strand), MYH2 (myosin heavy chain 2; minus strand). Cytogenetic location: 17p13.1.
Variant type: single nucleotide variant.
Coding change: c.5674-10T>C on transcript NM_017534.6 (MANE Select); 10 bases into the intron before coding-DNA position 5674, T replaced by C.
Molecular consequence: intron variant.
Genome position (GRCh38, 1-based): chr17:10,521,442, A>G on the plus strand (T>C on the coding strand, the complement: MYH2 is on the minus strand). VCF-style: chr17-10521442-A-G. GRCh37 (hg19) VCF-style: chr17-10424759-A-G.
Other names: p.?; c.5674-10T>C (NM_001100112.2).
Identifiers: ClinVar variation 465949 (VCV000465949.24), dbSNP rs16943488, ClinGen allele CA8390326.